The following is an entry in ClinVar:

ClinVar aggregate classification (germline): Likely benign. Review status: criteria provided, multiple submitters, no conflicts (2 of 4 stars). 2 submissions from 2 submitters: Likely benign (2). Last evaluated 2026-04-29.

Conditions:
Dilated cardiomyopathy 1CC (CMD1CC). Identifiers: Orphanet 154, MedGen C2751084, MONDO:0013147, OMIM 613122.
Hypertrophic cardiomyopathy 20. Identifiers: MedGen C3151267, MONDO:0013477, OMIM 613876.

Submissions (2):

Women's Health and Genetics/Laboratory Corporation of America, LabCorp
Classification: Likely benign. Last evaluated: 2026-04-29. Review status: criteria provided, single submitter. Criteria: LabCorp Variant Classification Summary - May 2015. Collection method: clinical testing. Allele origin: germline.
Comment: Variant summary: NEXN c.220-19_220-16delAATT alters a conserved nucleotide located at a position not widely known to affect splicing. Consensus agreement among computation tools predict no significant impact on normal splicing. However, these predictions have yet to be confirmed by functional studies. The variant allele was found at a frequency of 2.8e-05 in 249080 control chromosomes. The available data on variant occurrences in the general population are insufficient to allow any conclusion about variant significance. To our knowledge, no occurrence of c.220-19_220-16delAATT in individuals affected with NEXN-related conditions and no experimental evidence demonstrating its impact on protein function have been reported. ClinVar contains an entry for this variant (Variation ID: 1625711). Based on the evidence outlined above, the variant was classified as likely benign.

Labcorp Genetics (formerly Invitae), Labcorp
Classification: Likely benign for Dilated cardiomyopathy 1CC; Hypertrophic cardiomyopathy 20. Last evaluated: 2026-01-26. Review status: criteria provided, single submitter. Criteria: Invitae Variant Classification Sherloc (09022015). Collection method: clinical testing. Allele origin: germline.

NM_144573.4(NEXN):c.220-19_220-16del

Gene: NEXN (nexilin F-actin binding protein; plus strand). Cytogenetic location: 1p31.1.
Variant type: Deletion.
Coding change: c.220-19_220-16del on transcript NM_144573.4 (MANE Select); 19 bases into the intron before coding-DNA position 220 through 16 bases into the intron before coding-DNA position 220, 4 bases deleted (AATT; older notation c.220-19_220-16delAATT).
Molecular consequence: intron variant.
Genome position (GRCh38, 1-based): chr1:77,917,941-77,917,944, AATT deleted; deleting any 4 consecutive bases within chr1:77,917,938-77,917,944 gives the same sequence; the c. name uses the placement nearest the transcript's 3' end. VCF-style (leftmost placement, unchanged base first): chr1-77917937-CATTA-C. GRCh37 (hg19) VCF-style: chr1-78383622-CATTA-C.
Other names: c.28-19_28-16del (NM_001172309.2); c.220-19_220-16delAATT (NM_144573.4).
Identifiers: ClinVar variation 1625711 (VCV001625711.9), dbSNP rs780428399, ClinGen allele CA918592.